The following is an entry in ClinVar:

ClinVar aggregate classification (germline): Benign (1 of 4 stars; one submission).

Conditions:
Neuropathy, hereditary sensory and autonomic, type 1C. Also called: HSAN IC; HSN IC. Identifiers: Orphanet 36386, MedGen C3150896, MONDO:0013337, OMIM 613640.

Allele frequency attached by ClinVar (database versions not stated): 1000 Genomes Project 30x 0.00031; gnomAD 0.00034 and 0.00036; TOPMed 0.00038; 1000 Genomes Project 0.00040.

Submission:

Illumina Laboratory Services, Illumina
Classification: Benign for Neuropathy, hereditary sensory and autonomic, type 1C. Last evaluated: 2018-03-06. Review status: criteria provided, single submitter. Criteria: ICSL Variant Classification Criteria 13 December 2019. Collection method: clinical testing. Allele origin: germline.
Comment: This variant was observed in the ICSL laboratory as part of a predisposition screen in an ostensibly healthy population. It had not been previously curated by ICSL or reported in the Human Gene Mutation Database (HGMD: prior to June 1st, 2018), and was therefore a candidate for classification through an automated scoring system. Utilizing variant allele frequency, disease prevalence and penetrance estimates, and inheritance mode, an automated score was calculated to assess if this variant is too frequent to cause the disease. Based on the score and internal cut-off values, a variant classified as benign is not then subjected to further curation. The score for this variant resulted in a classification of benign for this disease.

NM_004863.4(SPTLC2):c.*4842A>C

Gene: SPTLC2 (serine palmitoyltransferase long chain base subunit 2; minus strand). Cytogenetic location: 14q24.3.
Variant type: single nucleotide variant.
Coding change: c.*4842A>C on transcript NM_004863.4 (MANE Select); 4842 bases downstream of the stop codon, A replaced by C.
Molecular consequence: 3 prime UTR variant.
Genome position (GRCh38, 1-based): chr14:77,507,442, T>G on the plus strand (A>C on the coding strand, the complement: SPTLC2 is on the minus strand). VCF-style: chr14-77507442-T-G. GRCh37 (hg19) VCF-style: chr14-77973785-T-G.
Identifiers: ClinVar variation 886802 (VCV000886802.4), dbSNP rs538809593, ClinGen allele CA263818708.